The following is an entry in ClinVar:

ClinVar aggregate classification (germline): Conflicting classifications of pathogenicity. Review status: criteria provided, conflicting classifications (1 of 4 stars). 2 submissions from 2 submitters: Uncertain significance (1); Likely benign (1). Last evaluated 2025-05-21.

Conditions:
Inborn genetic diseases. Identifiers: MedGen C0950123, MeSH D030342.

gnomAD v4.1: 7 of 1,614,114 alleles (0.00043%); highest among the groups gnomAD compares: East Asian, 0.0022%; no homozygotes.

Submissions (2):

Ambry Genetics
Classification: Likely benign for Inborn genetic diseases. Last evaluated: 2025-05-21. Review status: criteria provided, single submitter. Criteria: Ambry Variant Classification Scheme 2023. Collection method: clinical testing. Allele origin: germline.

Labcorp Genetics (formerly Invitae), Labcorp
Classification: Uncertain significance. Last evaluated: 2022-10-01. Review status: criteria provided, single submitter. Criteria: Invitae Variant Classification Sherloc (09022015). Collection method: clinical testing. Allele origin: germline.
Comment: This sequence change replaces asparagine, which is neutral and polar, with serine, which is neutral and polar, at codon 402 of the GHR protein (p.Asn402Ser). This variant is present in population databases (no rsID available, gnomAD 0.006%). This variant has not been reported in the literature in individuals affected with GHR-related conditions. Advanced modeling of protein sequence and biophysical properties (such as structural, functional, and spatial information, amino acid conservation, physicochemical variation, residue mobility, and thermodynamic stability) performed at Invitae indicates that this missense variant is not expected to disrupt GHR protein function. In summary, the available evidence is currently insufficient to determine the role of this variant in disease. Therefore, it has been classified as a Variant of Uncertain Significance.

NM_000163.5(GHR):c.1205A>G (p.Asn402Ser)

Gene: GHR (growth hormone receptor; plus strand). Cytogenetic location: 5p12.
Variant type: single nucleotide variant.
Coding change: c.1205A>G on transcript NM_000163.5 (MANE Select); coding-DNA position 1205, A replaced by G.
Protein change: p.Asn402Ser; replaces asparagine 402 with serine.
Molecular consequence: missense variant. On other transcripts: 3 prime UTR variant (1).
Genome position (GRCh38, 1-based): chr5:42,718,712, A>G. VCF-style: chr5-42718712-A-G. GRCh37 (hg19) VCF-style: chr5-42718814-A-G.
Other names: c.1226A>G, p.Asn409Ser (NM_001242399.2); c.1205A>G, p.Asn402Ser (NM_001242400.2, NM_001242401.4, NM_001242402.2 and 4 more transcripts); c.1139A>G, p.Asn380Ser (NM_001242460.2); c.*247A>G (NM_001242462.1); c.1205A>G (NM_000163.4); short protein forms N402S, N380S, N409S.
Identifiers: ClinVar variation 1899103 (VCV001899103.3), dbSNP rs367760905, ClinGen allele CA117804848.